The following is an entry in ClinVar:

ClinVar aggregate classification (germline): Conflicting classifications of pathogenicity. Review status: criteria provided, conflicting classifications (1 of 4 stars). 6 submissions from 6 submitters: Uncertain significance (2); Likely benign (3). 1 of the submissions does not count toward it. Last evaluated 2025-12-21.

Conditions:
Dystonia, early-onset, and/or spastic paraplegia. Identifiers: MedGen C5562051, MONDO:0859215, OMIM 619681.
Dystrophin deficiency.
Duchenne muscular dystrophy (DMD). Also called: MUSCULAR DYSTROPHY, PSEUDOHYPERTROPHIC PROGRESSIVE, DUCHENNE TYPE; Duchenne Muscular Dystrophy (DMD). Identifiers: Orphanet 98896, MedGen C0013264, MONDO:0010679, OMIM 310200.
Cardiomyopathy (CMYO). Also called: Cardiomyopathies. Identifiers: Orphanet 167848, MedGen C0878544, MONDO:0004994, HP:0001638. Inheritance: Various modes of inheritance.
Becker muscular dystrophy (BMD). Also called: Becker Muscular Dystrophy (BMD); MUSCULAR DYSTROPHY, PSEUDOHYPERTROPHIC PROGRESSIVE, BECKER TYPE. Identifiers: Orphanet 98895, MedGen C0917713, MONDO:0010311, OMIM 300376.
Cardiovascular phenotype. Identifiers: MedGen CN230736.

Allele frequency attached by ClinVar (database versions not stated): gnomAD 0.00002 and 0.00003; gnomAD exomes 0.00003 and 0.00005; ExAC 0.00006.
gnomAD v4.1: 57 of 1,208,775 alleles (0.0047%); highest among the groups gnomAD compares: Middle Eastern, 0.069%; 1 homozygote.

Submissions (6):

Labcorp Genetics (formerly Invitae), Labcorp
Classification: Likely benign for Duchenne muscular dystrophy. Last evaluated: 2025-12-21. Review status: criteria provided, single submitter. Criteria: Invitae Variant Classification Sherloc (09022015). Collection method: clinical testing. Allele origin: germline.

Blueprint Genetics
Classification: Likely benign. Last evaluated: 2022-03-15. Review status: criteria provided, single submitter. Criteria: ACMG Guidelines, 2015. Collection method: clinical testing. Allele origin: germline.

Ambry Genetics
Classification: Uncertain significance for Cardiovascular phenotype. Last evaluated: 2020-12-28. Review status: criteria provided, single submitter. Criteria: Ambry Variant Classification Scheme 2023. Collection method: clinical testing. Allele origin: germline.
Comment: The p.A1739E variant (also known as c.5216C>A), located in coding exon 37 of the DMD gene, results from a C to A substitution at nucleotide position 5216. The alanine at codon 1739 is replaced by glutamic acid, an amino acid with dissimilar properties. Based on data from gnomAD, the A allele has an overall frequency of 0.003% (6/183193) total alleles studied, with 1 hemizygote observed. The highest observed frequency was 0.03% (6/19069) of South Asian alleles.This amino acid position is not well conserved in available vertebrate species, and glutamic acid is the reference amino acid in other vertebrate species. In addition, this alteration is predicted to be tolerated by in silico analysis. Since supporting evidence is limited at this time, the clinical significance of this alteration remains unclear.

Cambridge Genomics Laboratory, East Genomic Laboratory Hub, NHS Genomic Medicine Service
Classification: Likely benign for Dystonia, early-onset, and/or spastic paraplegia. Last evaluated: 2020-07-13. Review status: criteria provided, single submitter. Criteria: ACGS Best Practice Guidelines for Variant Classification in Rare Disease 2020. Collection method: clinical testing. Allele origin: germline. Affected: yes. Observed: 1 variant allele.

Eurofins Ntd Llc (ga)
Classification: Uncertain significance. Last evaluated: 2017-12-22. Review status: criteria provided, single submitter. Criteria: EGL Classification Definitions 2015. Collection method: clinical testing. Allele origin: germline. Observed: 1 variant allele, 1 hemizygote.

Natera, Inc.
Classification: Uncertain significance for Becker muscular dystrophy; Cardiomyopathy; Duchenne muscular dystrophy; Dystrophin deficiency. Last evaluated: 2020-01-17. Review status: no assertion criteria provided. Collection method: clinical testing. Allele origin: germline. Not counted in ClinVar's aggregate classification.

NM_004006.3(DMD):c.5216C>A (p.Ala1739Glu)

Gene: DMD (dystrophin; minus strand). Cytogenetic location: Xp21.1.
Variant type: single nucleotide variant.
Coding change: c.5216C>A on transcript NM_004006.3 (MANE Select); coding-DNA position 5216, C replaced by A.
Protein change: p.Ala1739Glu; replaces alanine 1739 with glutamic acid.
Molecular consequence: missense variant.
Genome position (GRCh38, 1-based): chrX:32,362,897, G>T on the plus strand (C>A on the coding strand, the complement: DMD is on the minus strand). VCF-style: chrX-32362897-G-T. GRCh37 (hg19) VCF-style: chrX-32381014-G-T.
Other names: c.5192C>A, p.Ala1731Glu (NM_000109.4); c.5204C>A, p.Ala1735Glu (NM_004009.3); c.4847C>A, p.Ala1616Glu (NM_004010.3); c.1193C>A, p.Ala398Glu (NM_004011.4); c.1184C>A, p.Ala395Glu (NM_004012.4); short protein forms A1739E, A395E, A1735E, A398E, A1731E, A1616E.
Identifiers: ClinVar variation 264005 (VCV000264005.20), dbSNP rs200740165, ClinGen allele CA10378740.